The following is an entry in ClinVar:

ClinVar aggregate classification (germline): Uncertain significance (1 of 4 stars; one submission).

gnomAD v4.1: 5 of 1,612,404 alleles (0.00031%); highest among the groups gnomAD compares: Non-Finnish European, 0.00042%; no homozygotes.

Submission:

CeGaT Center for Human Genetics Tuebingen
Classification: Uncertain significance. Last evaluated: 2024-10-01. Review status: criteria provided, single submitter. Criteria: CeGaT Center For Human Genetics Tuebingen Variant Classification Criteria Version 2. Collection method: clinical testing. Allele origin: germline. Affected: yes. Observed: 1 variant allele.
Comment: GCH1: PM2

NM_000161.3(GCH1):c.335C>G (p.Thr112Ser)

Gene: GCH1 (GTP cyclohydrolase 1; minus strand). Cytogenetic location: 14q22.2.
Variant type: single nucleotide variant.
Coding change: c.335C>G on transcript NM_000161.3 (MANE Select); coding-DNA position 335, C replaced by G.
Protein change: p.Thr112Ser; replaces threonine 112 with serine.
Molecular consequence: missense variant.
Genome position (GRCh38, 1-based): chr14:54,902,329, G>C on the plus strand (C>G on the coding strand, the complement: GCH1 is on the minus strand). VCF-style: chr14-54902329-G-C. GRCh37 (hg19) VCF-style: chr14-55369047-G-C.
Other names: c.335C>G, p.Thr112Ser (NM_001024024.2, NM_001024070.2, NM_001024071.2 and 1 more transcripts); short protein forms T112S.
Identifiers: ClinVar variation 3389258 (VCV003389258.14).
Genomic context (GRCh38, chr14:54,902,329, plus strand): 5'-CAAGCACCGCCCCCGCCGCCCGCACGCTCTAGCAGCCCGCGGGCGCACTGACCTGAGATG[G>C]TCTCCTGGTAGCCCTTGGTGAAGAACTGCATGGCCGAGGCCGCCCTCCAGGGCGTCTTGA-3'
Protein context (NP_000152.1, residues 102-122): MQFFTKGYQE[Thr112Ser]ISDVLNDAIF